The following is an entry in ClinVar:

NM_000903.3(NQO1):c.737A>G (p.Glu246Gly)

Gene: NQO1 (NAD(P)H quinone dehydrogenase 1; minus strand). Cytogenetic location: 16q22.1.
Variant type: single nucleotide variant.
Coding change: c.737A>G on transcript NM_000903.3 (MANE Select); coding-DNA position 737, A replaced by G.
Protein change: p.Glu246Gly; replaces glutamic acid 246 with glycine.
Molecular consequence: missense variant.
Genome position (GRCh38, 1-based): chr16:69,711,064, T>C on the plus strand (A>G on the coding strand, the complement: NQO1 is on the minus strand). VCF-style: chr16-69711064-T-C. GRCh37 (hg19) VCF-style: chr16-69744967-T-C.
Other names: c.635A>G, p.Glu212Gly (NM_001025433.2); c.623A>G, p.Glu208Gly (NM_001025434.2); c.521A>G, p.Glu174Gly (NM_001286137.2); short protein forms E246G, E212G, E174G, E208G.
Identifiers: ClinVar variation 1758598 (VCV001758598.2), dbSNP rs2544317965, ClinGen allele CA396487482.

ClinVar aggregate classification (germline): Uncertain significance (1 of 4 stars; one submission).

Submission:

Ambry Genetics
Classification: Uncertain significance. Last evaluated: 2022-02-05. Review status: criteria provided, single submitter. Criteria: Ambry Variant Classification Scheme 2023. Collection method: clinical testing. Allele origin: germline.
Comment: The p.E246G variant (also known as c.737A>G), located in coding exon 6 of the NQO1 gene, results from an A to G substitution at nucleotide position 737. The glutamic acid at codon 246 is replaced by glycine, an amino acid with similar properties. This amino acid position is conserved. In addition, this alteration is predicted to be tolerated by in silico analysis. Since supporting evidence is limited at this time, the clinical significance of this alteration remains unclear.